The following is an entry in ClinVar:

ClinVar aggregate classification (germline): Pathogenic/Likely pathogenic. Review status: criteria provided, multiple submitters, no conflicts (2 of 4 stars). 3 submissions from 3 submitters: Pathogenic (1); Likely pathogenic (2). Last evaluated 2026-01-20.

Conditions:
Autosomal recessive multiple pterygium syndrome. Also called: MULTIPLE PTERYGIUM SYNDROME, ESCOBAR VARIANT; PTERYGIUM COLLI SYNDROME; PTERYGIUM SYNDROME; PTERYGIUM UNIVERSALE. Identifiers: Orphanet 2990, MedGen C0265261, MONDO:0009926, OMIM 265000.
Lethal multiple pterygium syndrome (LMPS). Identifiers: Orphanet 33108, MedGen C1854678, MONDO:0009668, OMIM 253290.

Submissions (3):

Labcorp Genetics (formerly Invitae), Labcorp
Classification: Pathogenic. Last evaluated: 2026-01-20. Review status: criteria provided, single submitter. Criteria: Invitae Variant Classification Sherloc (09022015). Collection method: clinical testing. Allele origin: germline.
Comment: This sequence change is expected to alter the c-terminus of the CHRNG protein (p.Arg452Glyfs*84). While this is not anticipated to result in nonsense mediated decay, it is expected to disrupt the last 66 amino acid(s) of the CHRNG protein and extend the protein by 17 additional amino acid residues. This variant is present in population databases (no rsID available, gnomAD 0.006%). This variant has not been reported in the literature in individuals affected with CHRNG-related conditions. ClinVar contains an entry for this variant (Variation ID: 3586183). This variant disrupts a region of the CHRNG protein in which other variant(s) (p.Arg470*) have been determined to be pathogenic (PMID: 16826520). This suggests that this is a clinically significant region of the protein, and that variants that disrupt it are likely to be disease-causing. For these reasons, this variant has been classified as Pathogenic.

Fulgent Genetics
Classification: Likely pathogenic for Lethal multiple pterygium syndrome; Autosomal recessive multiple pterygium syndrome. Last evaluated: 2024-05-07. Review status: criteria provided, single submitter. Criteria: ACMG Guidelines, 2015. Collection method: clinical testing. Allele origin: germline.

Juno Genomics, Hangzhou Juno Genomics, Inc
Classification: Likely pathogenic for Autosomal recessive multiple pterygium syndrome; Lethal multiple pterygium syndrome. Review status: criteria provided, single submitter. Criteria: ACMG Guidelines, 2015. Collection method: clinical testing. Allele origin: germline. Affected: yes.
Comment: Absent from controls (or at extremely low frequency if recessive) in Genome Aggregation Database, Exome Sequencing Project, 1000 Genomes Project, or Exome Aggregation Consortium.;Null variant in a gene where loss of function (LOF) is a known mechanism of disease.;For recessive disorders, detected in trans with a pathogenic variant.

Literature cited by the submitters: PubMed 16826520 (cited by Labcorp Genetics (formerly Invitae), Labcorp).

NM_005199.5(CHRNG):c.1354del (p.Arg452fs)

Genes: CHRNG (cholinergic receptor nicotinic gamma subunit; plus strand), TIGD1 (tigger transposable element derived 1; minus strand). Cytogenetic location: 2q37.1.
Variant type: Deletion.
Coding change: c.1354del on transcript NM_005199.5 (MANE Select); coding-DNA position 1354, one base deleted (C; older notation c.1354delC).
Protein change: p.Arg452fs; shifts the reading frame from arginine 452.
Molecular consequence: frameshift variant. On other transcripts: 3 prime UTR variant (1).
Genome position (GRCh38, 1-based): chr2:232,544,876, C deleted; the last of 3 consecutive C bases (chr2:232,544,874-232,544,876); deleting any one gives the same sequence. VCF-style (leftmost placement, unchanged base first): chr2-232544873-GC-G. GRCh37 (hg19) VCF-style: chr2-233409583-GC-G.
Other names: c.*3233del (NM_145702.4); short protein forms R452fs.
Identifiers: ClinVar variation 3586183 (VCV003586183.3).